The following is an entry in ClinVar:

NM_000719.7(CACNA1C):c.3244G>A (p.Asp1082Asn)

Gene: CACNA1C (calcium voltage-gated channel subunit alpha1 C; plus strand). Cytogenetic location: 12p13.33.
Variant type: single nucleotide variant.
Coding change: c.3244G>A on transcript NM_000719.7 (MANE Select); coding-DNA position 3244, G replaced by A.
Protein change: p.Asp1082Asn; replaces aspartic acid 1082 with asparagine.
Molecular consequence: missense variant.
Genome position (GRCh38, 1-based): chr12:2,607,018, G>A. VCF-style: chr12-2607018-G-A. GRCh37 (hg19) VCF-style: chr12-2716184-G-A.
Other names: c.3304G>A, p.Asp1102Asn (NM_001129827.2, NM_199460.4, NM_001129832.2); c.3244G>A, p.Asp1082Asn (NM_001129829.2, NM_001129840.2, NM_001129841.2 and 15 more transcripts); c.3235G>A, p.Asp1079Asn (NM_001129844.2); short protein forms D1102N, D1079N, D1082N.
Identifiers: ClinVar variation 2724325 (VCV002724325.3), dbSNP rs1568744054, ClinGen allele CA383374761.
Genomic context (GRCh38, chr12:2,607,018, plus strand): 5'-GTAAACTCCTTCTCCTCCTCTCTCAGGGGCAACTACATCACGTACAAAGACGGGGAGGTT[G>A]ACCACCCCATCATCCAACCCCGCAGCTGGGAGAACAGCAAGTTTGACTTTGACAATGTTC-3'
Protein context (NP_000710.5, residues 1072-1092): NYITYKDGEV[Asp1082Asn]HPIIQPRSWE

ClinVar aggregate classification (germline): Uncertain significance (1 of 4 stars; one submission).

Conditions:
Long QT syndrome (LQTS). Identifiers: MedGen C0023976, MeSH D008133, MONDO:0002442. Disease mechanism: loss of function. Inheritance: Various modes of inheritance.

Allele frequency attached by ClinVar (database versions not stated): gnomAD exomes 0.00001.
gnomAD v4.1: 4 of 1,613,954 alleles (0.00025%); highest among the groups gnomAD compares: Non-Finnish European, 0.00034%; no homozygotes.

Submission:

Labcorp Genetics (formerly Invitae), Labcorp
Classification: Uncertain significance for Long QT syndrome. Last evaluated: 2024-12-08. Review status: criteria provided, single submitter. Criteria: Invitae Variant Classification Sherloc (09022015). Collection method: clinical testing. Allele origin: germline.
Comment: This sequence change replaces aspartic acid, which is acidic and polar, with asparagine, which is neutral and polar, at codon 1082 of the CACNA1C protein (p.Asp1082Asn). This variant is not present in population databases (gnomAD no frequency). This variant has not been reported in the literature in individuals affected with CACNA1C-related conditions. ClinVar contains an entry for this variant (Variation ID: 2724325). Invitae Evidence Modeling of protein sequence and biophysical properties (such as structural, functional, and spatial information, amino acid conservation, physicochemical variation, residue mobility, and thermodynamic stability) indicates that this missense variant is not expected to disrupt CACNA1C protein function with a negative predictive value of 95%. In summary, the available evidence is currently insufficient to determine the role of this variant in disease. Therefore, it has been classified as a Variant of Uncertain Significance.